The following is an entry in ClinVar:

NM_005660.3(SLC35A2):c.782G>A (p.Arg261His)

Gene: SLC35A2 (solute carrier family 35 member A2; minus strand). Cytogenetic location: Xp11.23.
Variant type: single nucleotide variant.
Coding change: c.782G>A on transcript NM_005660.3 (MANE Select); coding-DNA position 782, G replaced by A.
Protein change: p.Arg261His; replaces arginine 261 with histidine.
Molecular consequence: missense variant. On other transcripts: intron variant (3).
Genome position (GRCh38, 1-based): chrX:48,905,127, C>T on the plus strand (G>A on the coding strand, the complement: SLC35A2 is on the minus strand). VCF-style: chrX-48905127-C-T. GRCh37 (hg19) VCF-style: chrX-48762404-C-T.
Other names: c.782G>A (NM_001042498.2); c.782G>A, p.Arg261His (NM_001042498.3); c.599G>A, p.Arg200His (NM_001282649.2); c.821G>A, p.Arg274His (NM_001282650.2); c.866G>A, p.Arg289His (NM_001282651.2); c.427-235G>A (NM_001282647.2, NM_001032289.3); c.355-235G>A (NM_001282648.2); short protein forms R261H, R274H, R200H, R289H.
Identifiers: ClinVar variation 2186888 (VCV002186888.5), dbSNP rs1557042812, ClinGen allele CA412895232.
Genomic context (GRCh38, chrX:48,905,127, plus strand): 5'-CCGAAGGCCTGGTTGAGCACCACGCCCCAGACAGCAGGTGTGTACCCAAAAAAGAAACCA[C>T]GGGTGGCCACGGCGGTACCCTCAGCCCACCAGAGCCCCACCAGGCCCAGTGCTGTGCCGA-3'
Protein context (NP_005651.1, residues 251-271): WWAEGTAVAT[Arg261His]GFFFGYTPAV

ClinVar aggregate classification (germline): Uncertain significance. Review status: criteria provided, multiple submitters, no conflicts (2 of 4 stars). 2 submissions from 2 submitters: Uncertain significance (2). Last evaluated 2025-08-25.

Conditions:
Inborn genetic diseases. Identifiers: MedGen C0950123, MeSH D030342.
SLC35A2-congenital disorder of glycosylation. Also called: SLC35A2-CDG; DEVELOPMENTAL AND EPILEPTIC ENCEPHALOPATHY 22; CONGENITAL DISORDER OF GLYCOSYLATION, TYPE IIm; CDG IIm; CONGENITAL DISORDER OF GLYCOSYLATION, TYPE IIm, SOMATIC MOSAIC; EPILEPTIC ENCEPHALOPATHY, EARLY INFANTILE, 22. Identifiers: Orphanet 356961, MedGen C3806688, MONDO:0010478, OMIM 300896.

Allele frequency attached by ClinVar (database versions not stated): gnomAD exomes below 0.00001; TOPMed below 0.00001.

Submissions (2):

Ambry Genetics
Classification: Uncertain significance for Inborn genetic diseases. Last evaluated: 2025-08-25. Review status: criteria provided, single submitter. Criteria: Ambry Variant Classification Scheme 2023. Collection method: clinical testing. Allele origin: germline.

Labcorp Genetics (formerly Invitae), Labcorp
Classification: Uncertain significance for SLC35A2-congenital disorder of glycosylation. Last evaluated: 2024-07-03. Review status: criteria provided, single submitter. Criteria: Invitae Variant Classification Sherloc (09022015). Collection method: clinical testing. Allele origin: germline.
Comment: This sequence change replaces arginine, which is basic and polar, with histidine, which is basic and polar, at codon 261 of the SLC35A2 protein (p.Arg261His). This variant is present in population databases (no rsID available, gnomAD 0.005%), including at least one homozygous and/or hemizygous individual. This variant has not been reported in the literature in individuals affected with SLC35A2-related conditions. ClinVar contains an entry for this variant (Variation ID: 2186888). Algorithms developed to predict the effect of missense changes on protein structure and function output the following: SIFT: "Not Available"; PolyPhen-2: "Benign"; Align-GVGD: "Not Available". The histidine amino acid residue is found in multiple mammalian species, which suggests that this missense change does not adversely affect protein function. In summary, the available evidence is currently insufficient to determine the role of this variant in disease. Therefore, it has been classified as a Variant of Uncertain Significance.